The following is an entry in ClinVar:

NM_004251.5(RAB9A):c.435C>T (p.Asn145=)

Gene: RAB9A (RAB9A, member RAS oncogene family; plus strand). Cytogenetic location: Xp22.2.
Variant type: single nucleotide variant.
Coding change: c.435C>T on transcript NM_004251.5 (MANE Select); coding-DNA position 435, C replaced by T.
Protein change: p.Asn145=; no amino-acid change (asparagine 145 retained).
Molecular consequence: synonymous variant.
Genome position (GRCh38, 1-based): chrX:13,709,181, C>T. VCF-style: chrX-13709181-C-T. GRCh37 (hg19) VCF-style: chrX-13727300-C-T.
Other names: c.435C>T, p.Asn145= (NM_001195328.2).
Identifiers: ClinVar variation 708705 (VCV000708705.27), dbSNP rs201466174, ClinGen allele CA10351369.

ClinVar aggregate classification (germline): Likely benign. Review status: criteria provided, multiple submitters, no conflicts (2 of 4 stars). 2 submissions from 2 submitters: Likely benign (2). Last evaluated 2022-08-01.

Allele frequency attached by ClinVar (database versions not stated): ExAC 0.00023; ESP Exome Variant Server 0.00028; gnomAD exomes 0.00031 and 0.00049; TOPMed 0.00034; gnomAD 0.00036 and 0.00037.
gnomAD v4.1: 574 of 1,209,921 alleles (0.047%); highest among the groups gnomAD compares: Non-Finnish European, 0.061%; no homozygotes.

Submissions (2):

CeGaT Center for Human Genetics Tuebingen
Classification: Likely benign. Last evaluated: 2022-08-01. Review status: criteria provided, single submitter. Criteria: CeGaT Center For Human Genetics Tuebingen Variant Classification Criteria Version 2. Collection method: clinical testing. Allele origin: germline. Affected: yes. Observed: 1 variant allele.
Comment: RAB9A: BP4, BP7

Labcorp Genetics (formerly Invitae), Labcorp
Classification: Likely benign. Last evaluated: 2018-06-08. Review status: criteria provided, single submitter. Criteria: Invitae Variant Classification Sherloc (09022015). Collection method: clinical testing. Allele origin: germline.